The following is an entry in ClinVar:

NM_004415.4(DSP):c.1671A>G (p.Ile557Met)

Gene: DSP (desmoplakin; plus strand). Cytogenetic location: 6p24.3.
Variant type: single nucleotide variant.
Coding change: c.1671A>G on transcript NM_004415.4 (MANE Select); coding-DNA position 1671, A replaced by G.
Protein change: p.Ile557Met; replaces isoleucine 557 with methionine.
Molecular consequence: missense variant.
Genome position (GRCh38, 1-based): chr6:7,570,533, A>G. VCF-style: chr6-7570533-A-G. GRCh37 (hg19) VCF-style: chr6-7570766-A-G.
Other names: c.1671A>G (LRG_423t1); c.1671A>G, p.Ile557Met (NM_001008844.3, NM_001319034.2); short protein forms I557M.
Identifiers: ClinVar variation 534278 (VCV000534278.25), dbSNP rs766505506, ClinGen allele CA029207.

ClinVar aggregate classification (germline): Uncertain significance. Review status: criteria provided, multiple submitters, no conflicts (2 of 4 stars). 8 submissions from 8 submitters: Uncertain significance (5). 3 of the submissions do not count toward it. Last evaluated 2025-10-07.

Conditions:
Arrhythmogenic cardiomyopathy with wooly hair and keratoderma. Also called: PALMOPLANTAR KERATODERMA WITH LEFT VENTRICULAR CARDIOMYOPATHY AND WOOLLY HAIR; Carvajal syndrome; Dilated cardiomyopathy with woolly hair and keratoderma; Arrhythmogenic cardiomyopathy with woolly hair and keratoderma. Identifiers: Orphanet 65282, MedGen C1854063, MONDO:0011581, OMIM 605676.
Arrhythmogenic right ventricular dysplasia 8 (ARVD8). Also called: Arrhythmogenic Right Ventricular Dysplasia/Cardiomyopathy 8; ARRHYTHMOGENIC RIGHT VENTRICULAR DYSPLASIA, FAMILIAL, 8; ARRHYTHMOGENIC RIGHT VENTRICULAR CARDIOMYOPATHY 8. Identifiers: MedGen C1843896, MONDO:0011831, OMIM 607450.
Cardiomyopathy (CMYO). Also called: Cardiomyopathies. Identifiers: Orphanet 167848, MedGen C0878544, MONDO:0004994, HP:0001638. Inheritance: Various modes of inheritance.
Cardiovascular phenotype. Identifiers: MedGen CN230736.

Allele frequency attached by ClinVar (database versions not stated): ExAC 0.00001; gnomAD exomes 0.00001; TOPMed 0.00001.
gnomAD v4.1: 4 of 1,613,788 alleles (0.00025%); highest among the groups gnomAD compares: Non-Finnish European, 0.00034%; no homozygotes.

Submissions (8):

Color Diagnostics, LLC DBA Color Health
Classification: Uncertain significance for Cardiomyopathy. Last evaluated: 2025-10-07. Review status: criteria provided, single submitter. Criteria: ACMG Guidelines, 2015. Collection method: clinical testing. Allele origin: germline.
Comment: This missense variant replaces isoleucine with methionine at codon 557 of the DSP protein. Computational prediction is inconclusive regarding the impact of this variant on protein structure and function. To our knowledge, functional studies have not been reported for this variant. This variant has been reported in an individual with suspected dilated cardiomyopathy and in another individual with suspected hypertrophic cardiomyopathy (PMID: 30847666). This variant has been identified in 4/1461462 chromosomes in the general population by the Genome Aggregation Database (gnomAD). The available evidence is insufficient to determine the role of this variant in disease conclusively. Therefore, this variant is classified as a Variant of Uncertain Significance.

Labcorp Genetics (formerly Invitae), Labcorp
Classification: Uncertain significance for Arrhythmogenic cardiomyopathy with wooly hair and keratoderma; Arrhythmogenic right ventricular dysplasia 8. Last evaluated: 2025-07-08. Review status: criteria provided, single submitter. Criteria: Invitae Variant Classification Sherloc (09022015). Collection method: clinical testing. Allele origin: germline.
Comment: This sequence change replaces isoleucine, which is neutral and non-polar, with methionine, which is neutral and non-polar, at codon 557 of the DSP protein (p.Ile557Met). This variant is present in population databases (rs766505506, gnomAD 0.002%). This missense change has been observed in individual(s) with clinical features of DSP-related conditions (PMID: 30847666). ClinVar contains an entry for this variant (Variation ID: 534278). An algorithm developed to predict the effect of missense changes on protein structure and function (PolyPhen-2) suggests that this variant is likely to be disruptive. In summary, the available evidence is currently insufficient to determine the role of this variant in disease. Therefore, it has been classified as a Variant of Uncertain Significance.

Ambry Genetics
Classification: Uncertain significance for Cardiovascular phenotype. Last evaluated: 2025-05-09. Review status: criteria provided, single submitter. Criteria: Ambry Variant Classification Scheme 2023. Collection method: clinical testing. Allele origin: germline.
Comment: The p.I557M variant (also known as c.1671A>G), located in coding exon 13 of the DSP gene, results from an A to G substitution at nucleotide position 1671. The isoleucine at codon 557 is replaced by methionine, an amino acid with highly similar properties. This variant was detected in two individuals from a cardiomyopathy genetic testing cohort; however, clinical details were limited, and one individual had additional cardiac variants detected (van Lint FHM et al. Neth Heart J, 2019 Jun;27:304-309). This amino acid position is highly conserved in available vertebrate species. In addition, the in silico prediction for this alteration is inconclusive. Since supporting evidence is limited at this time, the clinical significance of this alteration remains unclear.

All of Us Research Program, National Institutes of Health
Classification: Uncertain significance for Arrhythmogenic cardiomyopathy with wooly hair and keratoderma. Last evaluated: 2024-08-13. Review status: criteria provided, single submitter. Criteria: ACMG Guidelines, 2015. Collection method: clinical testing. Allele origin: germline. Inheritance: Autosomal dominant inheritance. Observed: 4 variant alleles, 4 heterozygotes.
Comment: This missense variant replaces isoleucine with methionine at codon 557 of the DSP protein. Computational prediction is inconclusive regarding the impact of this variant on protein structure and function (internally defined REVEL score threshold 0.5 < inconclusive < 0.7, PMID: 27666373). To our knowledge, functional studies have not been reported for this variant. This variant has been reported in an individual suspected of having dilated cardiomyopathy and in another individual suspected of having hypertrophic cardiomyopathy (PMID: 30847666). This variant has been identified in 2/251240 chromosomes in the general population by the Genome Aggregation Database (gnomAD). The available evidence is insufficient to determine the role of this variant in disease conclusively. Therefore, this variant is classified as a Variant of Uncertain Significance.

This study involves interpretation of variants in research participants for the purpose of population health screening. Participant phenotype was not available at the time of variant classification. Additional details can be found in publication PMID: 35346344, PMCID: PMC8962531

GeneDx
Classification: Uncertain significance. Last evaluated: 2022-06-09. Review status: criteria provided, single submitter. Criteria: GeneDx Variant Classification Process June 2021. Collection method: clinical testing. Allele origin: germline. Affected: yes.
Comment: Identified in a patient with DCM and in a patient with HCM in the published literature (van Lint et al., 2019); Not observed at significant frequency in large population cohorts (gnomAD); In silico analysis supports that this missense variant does not alter protein structure/function; This variant is associated with the following publications: (PMID: 30847666, 27535533)

Clinical Genetics DNA and cytogenetics Diagnostics Lab, Erasmus MC, Erasmus Medical Center
Classification: Uncertain significance. Review status: no assertion criteria provided. Collection method: clinical testing. Allele origin: germline. Affected: yes. Study: VKGL Data-share Consensus. Not counted in ClinVar's aggregate classification.

Clinical Genetics, Academic Medical Center
Classification: Uncertain significance. Review status: no assertion criteria provided. Collection method: clinical testing. Allele origin: germline. Affected: yes. Study: VKGL Data-share Consensus. Not counted in ClinVar's aggregate classification.

Diagnostic Laboratory, Department of Genetics, University Medical Center Groningen
Classification: Uncertain significance. Review status: no assertion criteria provided. Collection method: clinical testing. Allele origin: germline. Affected: yes. Study: VKGL Data-share Consensus. Not counted in ClinVar's aggregate classification.

Literature cited by the submitters: PubMed 30847666 (cited by 4 submitters).